The following is an entry in ClinVar:

NM_001368397.1(FRMPD4):c.3822C>G (p.Thr1274=)

Gene: FRMPD4 (FERM and PDZ domain containing 4; plus strand). Cytogenetic location: Xp22.2.
Variant type: single nucleotide variant.
Coding change: c.3822C>G on transcript NM_001368397.1 (MANE Select); coding-DNA position 3822, C replaced by G.
Protein change: p.Thr1274=; no amino-acid change (threonine 1274 retained).
Molecular consequence: synonymous variant.
Genome position (GRCh38, 1-based): chrX:12,718,648, C>G. VCF-style: chrX-12718648-C-G. GRCh37 (hg19) VCF-style: chrX-12736767-C-G.
Other names: c.3933C>G, p.Thr1311= (NM_001368395.3, NM_001368398.3); c.3828C>G, p.Thr1276= (NM_001368396.3); c.3813C>G, p.Thr1271= (NM_001368399.3); c.3702C>G, p.Thr1234= (NM_001368400.3); c.3798C>G, p.Thr1266= (NM_001368401.1, NM_001368402.3); c.3822C>G, p.Thr1274= (NM_014728.3).
Identifiers: ClinVar variation 738201 (VCV000738201.29), dbSNP rs140304936, ClinGen allele CA10349660.

ClinVar aggregate classification (germline): Benign/Likely benign. Review status: criteria provided, multiple submitters, no conflicts (2 of 4 stars). 3 submissions from 3 submitters: Benign (1); Likely benign (1). 1 of the submissions does not count toward it. Last evaluated 2023-01-01.

Conditions:
FRMPD4-related disorder. Also called: FRMPD4-related condition.

Allele frequency attached by ClinVar (database versions not stated): gnomAD exomes 0.00012 and 0.00023; 1000 Genomes Project 30x 0.00021; 1000 Genomes Project 0.00026; ExAC 0.00032; ESP Exome Variant Server 0.00095; gnomAD 0.00100 and 0.00108; TOPMed 0.00126.
gnomAD v4.1: 261 of 1,207,307 alleles (0.022%); highest among the groups gnomAD compares: African/African-American, 0.4%; 1 homozygote.

Submissions (3):

CeGaT Center for Human Genetics Tuebingen
Classification: Likely benign. Last evaluated: 2023-01-01. Review status: criteria provided, single submitter. Criteria: CeGaT Center For Human Genetics Tuebingen Variant Classification Criteria Version 2. Collection method: clinical testing. Allele origin: germline. Affected: yes. Observed: 1 variant allele.
Comment: FRMPD4: BP4, BP7, BS2

Labcorp Genetics (formerly Invitae), Labcorp
Classification: Benign. Last evaluated: 2019-12-31. Review status: criteria provided, single submitter. Criteria: Invitae Variant Classification Sherloc (09022015). Collection method: clinical testing. Allele origin: germline.

PreventionGenetics, part of Exact Sciences
Classification: Likely benign for FRMPD4-related condition. Last evaluated: 2019-09-10. Review status: no assertion criteria provided. Collection method: clinical testing. Allele origin: germline. Not counted in ClinVar's aggregate classification.
Comment: This variant is classified as likely benign based on ACMG/AMP sequence variant interpretation guidelines (Richards et al. 2015 PMID: 25741868, with internal and published modifications).